The following is an entry in ClinVar:

ClinVar aggregate classification (germline): Uncertain significance. Review status: criteria provided, multiple submitters, no conflicts (2 of 4 stars). 3 submissions from 3 submitters: Uncertain significance (3). Last evaluated 2025-09-20.

Conditions:
Primary dilated cardiomyopathy (DCM). Also called: Dilated Cardiomyopathy. Identifiers: Orphanet 217604, MedGen C0007193, MeSH D002311, MONDO:0005021, HP:0001644. Inheritance: Various modes of inheritance.
Charcot-Marie-Tooth disease type 2. Also called: Charcot-Marie-Tooth type 2. Identifiers: Orphanet 64746, MedGen C0270914, MONDO:0018993.
Cardiomyopathy (CMYO). Also called: Cardiomyopathies. Identifiers: Orphanet 167848, MedGen C0878544, MONDO:0004994, HP:0001638. Inheritance: Various modes of inheritance.

Allele frequency attached by ClinVar (database versions not stated): gnomAD exomes below 0.00001.
gnomAD v4.1: 1 of 1,612,962 alleles (0.000062%); no homozygotes.

Submissions (3):

Labcorp Genetics (formerly Invitae), Labcorp
Classification: Uncertain significance for Charcot-Marie-Tooth disease type 2. Last evaluated: 2025-09-20. Review status: criteria provided, single submitter. Criteria: Invitae Variant Classification Sherloc (09022015). Collection method: clinical testing. Allele origin: germline.
Comment: This sequence change replaces alanine, which is neutral and non-polar, with serine, which is neutral and polar, at codon 605 of the LMNA protein (p.Ala605Ser). This variant is not present in population databases (gnomAD no frequency). This variant has not been reported in the literature in individuals affected with LMNA-related conditions. ClinVar contains an entry for this variant (Variation ID: 1470489). Invitae Evidence Modeling of protein sequence and biophysical properties (such as structural, functional, and spatial information, amino acid conservation, physicochemical variation, residue mobility, and thermodynamic stability) indicates that this missense variant is expected to disrupt LMNA protein function with a positive predictive value of 80%. In summary, the available evidence is currently insufficient to determine the role of this variant in disease. Therefore, it has been classified as a Variant of Uncertain Significance.

Color Diagnostics, LLC DBA Color Health
Classification: Uncertain significance for Cardiomyopathy. Last evaluated: 2025-06-17. Review status: criteria provided, single submitter. Criteria: ACMG Guidelines, 2015. Collection method: clinical testing. Allele origin: germline.
Comment: This missense variant replaces alanine with serine at codon 605 of the LMNA protein. Computational prediction suggests that this variant may not impact protein structure and function. To our knowledge, functional studies have not been reported for this variant. This variant has not been reported in individuals affected with LMNA-related disorders in the literature. This variant has not been identified in the general population by the Genome Aggregation Database (gnomAD). The available evidence is insufficient to determine the role of this variant in disease conclusively. Therefore, this variant is classified as a Variant of Uncertain Significance.

All of Us Research Program, National Institutes of Health
Classification: Uncertain significance for Primary dilated cardiomyopathy. Last evaluated: 2023-06-28. Review status: criteria provided, single submitter. Criteria: ACMG Guidelines, 2015. Collection method: clinical testing. Allele origin: germline. Inheritance: Autosomal dominant inheritance. Observed: 1 variant allele, 1 heterozygote.
Comment: This study involves interpretation of variants in research participants for the purpose of population health screening. Participant phenotype was not available at the time of variant classification. Additional details can be found in publication PMID: 35346344, PMCID: PMC8962531

NM_170707.4(LMNA):c.1813G>T (p.Ala605Ser)

Gene: LMNA (lamin A/C; plus strand). Cytogenetic location: 1q22.
Variant type: single nucleotide variant.
Coding change: c.1813G>T on transcript NM_170707.4 (MANE Select); coding-DNA position 1813, G replaced by T.
Protein change: p.Ala605Ser; replaces alanine 605 with serine.
Molecular consequence: missense variant.
Genome position (GRCh38, 1-based): chr1:156,138,602, G>T. VCF-style: chr1-156138602-G-T. GRCh37 (hg19) VCF-style: chr1-156108393-G-T.
Other names: c.1477G>T, p.Ala493Ser (NM_001257374.3); c.1813G>T, p.Ala605Ser (NM_001282626.2); c.1723G>T, p.Ala575Ser (NM_170708.4); short protein forms A605S, A493S, A575S.
Identifiers: ClinVar variation 1470489 (VCV001470489.9), dbSNP rs2102901753, ClinGen allele CA342827019.